The following is an entry in ClinVar:

NM_001134831.2(AHI1):c.2500G>T (p.Ala834Ser)

Gene: AHI1 (Abelson helper integration site 1; minus strand). Cytogenetic location: 6q23.3.
Variant type: single nucleotide variant.
Coding change: c.2500G>T on transcript NM_001134831.2 (MANE Select); coding-DNA position 2500, G replaced by T.
Protein change: p.Ala834Ser; replaces alanine 834 with serine.
Molecular consequence: missense variant.
Genome position (GRCh38, 1-based): chr6:135,428,752, C>A on the plus strand (G>T on the coding strand, the complement: AHI1 is on the minus strand). VCF-style: chr6-135428752-C-A. GRCh37 (hg19) VCF-style: chr6-135749890-C-A.
Other names: c.2500G>T, p.Ala834Ser (NM_001134830.2, NM_001134832.2, NM_001350503.2 and 2 more transcripts); short protein forms A834S.
Identifiers: ClinVar variation 1718459 (VCV001718459.6), dbSNP rs2484532456, ClinGen allele CA365742426.

ClinVar aggregate classification (germline): Uncertain significance (1 of 4 stars; one submission).

Conditions:
Joubert syndrome. Also called: CEREBELLOPARENCHYMAL DISORDER IV; JOUBERT-BOLTSHAUSER SYNDROME; Familial aplasia of the vermis. Identifiers: Orphanet 475, MedGen C5979921, MONDO:0018772.

Submission:

Labcorp Genetics (formerly Invitae), Labcorp
Classification: Uncertain significance for Joubert syndrome. Last evaluated: 2025-04-21. Review status: criteria provided, single submitter. Criteria: Invitae Variant Classification Sherloc (09022015). Collection method: clinical testing. Allele origin: germline.
Comment: This sequence change replaces alanine, which is neutral and non-polar, with serine, which is neutral and polar, at codon 834 of the AHI1 protein (p.Ala834Ser). This variant is not present in population databases (gnomAD no frequency). This variant has not been reported in the literature in individuals affected with AHI1-related conditions. ClinVar contains an entry for this variant (Variation ID: 1718459). Invitae Evidence Modeling of protein sequence and biophysical properties (such as structural, functional, and spatial information, amino acid conservation, physicochemical variation, residue mobility, and thermodynamic stability) indicates that this missense variant is not expected to disrupt AHI1 protein function with a negative predictive value of 95%. In summary, the available evidence is currently insufficient to determine the role of this variant in disease. Therefore, it has been classified as a Variant of Uncertain Significance.